The following is an entry in ClinVar:

NM_000088.4(COL1A1):c.3766G>T (p.Ala1256Ser)

Gene: COL1A1 (collagen type I alpha 1 chain; minus strand). Cytogenetic location: 17q21.33.
Variant type: single nucleotide variant.
Coding change: c.3766G>T on transcript NM_000088.4 (MANE Select); coding-DNA position 3766, G replaced by T.
Protein change: p.Ala1256Ser; replaces alanine 1256 with serine.
Molecular consequence: missense variant.
Genome position (GRCh38, 1-based): chr17:50,186,688, C>A on the plus strand (G>T on the coding strand, the complement: COL1A1 is on the minus strand). VCF-style: chr17-50186688-C-A. GRCh37 (hg19) VCF-style: chr17-48264049-C-A.
Other names: short protein forms A1256S.
Identifiers: ClinVar variation 2059884 (VCV002059884.6), dbSNP rs148216434, ClinGen allele CA8644360.

ClinVar aggregate classification (germline): Uncertain significance. Review status: criteria provided, multiple submitters, no conflicts (2 of 4 stars). 3 submissions from 3 submitters: Uncertain significance (3). Last evaluated 2026-08-06.

Conditions:
Osteoporosis. Identifiers: MedGen C0029456, MONDO:0005298, OMIM 166710, HP:0000939.
Osteogenesis imperfecta type I (OI1). Also called: Osteogenesis imperfecta type 1; Lobstein disease; Classic Non-deforming Osteogenesis Imperfecta with Blue Sclerae; Lobstein's Disease; OI, TYPE I; OSTEOGENESIS IMPERFECTA TARDA. Identifiers: Orphanet 216796, Orphanet 666, MedGen C0023931, MONDO:0008146, OMIM 166200. Disease mechanism: loss of function.

gnomAD v4.1: 9 of 1,613,598 alleles (0.00056%); highest among the groups gnomAD compares: South Asian, 0.0033%; no homozygotes.

Submissions (3):

OLLIN Analises Genomicas, OLLIN
Classification: Uncertain significance for Osteoporosis. Last evaluated: 2026-08-06. Review status: criteria provided, single submitter. Criteria: ACMG Guidelines 2015 PMID 25741868. Collection method: clinical testing. Allele origin: germline.
Comment: This missense variant, located in exon 48 (of 51), has been reported in ClinVar (accession VCV000225320.39) and in gnomAD with an allele frequency of 0.00056%. However, to our knowledge, it has not been reported in the scientific literature. In silico analysis predicts that this variant has a deleterious effect. This gene is constrained for missense variation. According to the currently available evidence, this variant has been classified as uncertain significance (PP2, PP3_M).

Labcorp Genetics (formerly Invitae), Labcorp
Classification: Uncertain significance for Osteogenesis imperfecta type I. Last evaluated: 2025-12-22. Review status: criteria provided, single submitter. Criteria: Invitae Variant Classification Sherloc (09022015). Collection method: clinical testing. Allele origin: germline.
Comment: This sequence change replaces alanine, which is neutral and non-polar, with serine, which is neutral and polar, at codon 1256 of the COL1A1 protein (p.Ala1256Ser). This variant is present in population databases (rs148216434, gnomAD 0.006%). This variant has not been reported in the literature in individuals affected with COL1A1-related conditions. ClinVar contains an entry for this variant (Variation ID: 2059884). Invitae Evidence Modeling of protein sequence and biophysical properties (such as structural, functional, and spatial information, amino acid conservation, physicochemical variation, residue mobility, and thermodynamic stability) has been performed for this missense variant. However, the output from this modeling did not meet the statistical confidence thresholds required to predict the impact of this variant on COL1A1 protein function. In summary, the available evidence is currently insufficient to determine the role of this variant in disease. Therefore, it has been classified as a Variant of Uncertain Significance.

GeneDx
Classification: Uncertain significance. Last evaluated: 2025-01-10. Review status: criteria provided, single submitter. Criteria: GeneDx Variant Classification Process June 2021. Collection method: clinical testing. Allele origin: germline. Affected: yes.
Comment: Not observed at significant frequency in large population cohorts (gnomAD); In silico analysis supports that this missense variant has a deleterious effect on protein structure/function; Has not been previously published as pathogenic or benign to our knowledge